The following is an entry in ClinVar:

NM_005026.5(PIK3CD):c.1513G>A (p.Glu505Lys)

Gene: PIK3CD (phosphatidylinositol-4,5-bisphosphate 3-kinase catalytic subunit delta; plus strand). Cytogenetic location: 1p36.22.
Variant type: single nucleotide variant.
Coding change: c.1513G>A on transcript NM_005026.5 (MANE Select); coding-DNA position 1513, G replaced by A.
Protein change: p.Glu505Lys; replaces glutamic acid 505 with lysine.
Molecular consequence: missense variant.
Genome position (GRCh38, 1-based): chr1:9,720,653, G>A. VCF-style: chr1-9720653-G-A. GRCh37 (hg19) VCF-style: chr1-9780711-G-A.
Other names: c.1513G>A (LRG_191t1); c.1513G>A, p.Glu505Lys (NM_001350234.2); c.1426G>A, p.Glu476Lys (NM_001350235.1); short protein forms E505K, E476K.
Identifiers: ClinVar variation 541087 (VCV000541087.11), dbSNP rs545136223, ClinGen allele CA577235.
Genomic context (GRCh38, chr1:9,720,653, plus strand): 5'-TGCAGCCGTTTGTTGCAGATCTTGGAGCTGGGGCGACACAGCGAGTGTGTGCATGTCACC[G>A]AGGAGGAGGTGAGTGGGGTGGGGGTGTGGGGTGGGGGGCATGGAGCCGGCGTGGAACCAG-3'
Protein context (NP_005017.3, residues 495-515): GRHSECVHVT[Glu505Lys]EEQLQLREIL

ClinVar aggregate classification (germline): Uncertain significance. Review status: criteria provided, multiple submitters, no conflicts (2 of 4 stars). 3 submissions from 3 submitters: Uncertain significance (3). Last evaluated 2025-02-27.

Conditions:
Inborn genetic diseases. Identifiers: MedGen C0950123, MeSH D030342.
Immunodeficiency 14 (IMD14A). Also called: IMMUNODEFICIENCY 14A WITH LYMPHOPROLIFERATION, AUTOSOMAL DOMINANT; Activated PI3K Delta Syndrome Type 1 (APDS1); p110-DELTA-ACTIVATING MUTATION CAUSING SENESCENT T CELLS, LYMPHADENOPATHY, AND IMMUNODEFICIENCY; ACTIVATED PI3K-DELTA SYNDROME 1. Identifiers: Orphanet 397596, Orphanet 693661, MedGen C5907821, MONDO:0014222, OMIM 615513.

Allele frequency attached by ClinVar (database versions not stated): 1000 Genomes Project 0.00040; gnomAD exomes 0.00006 and 0.00003; ExAC 0.00018; 1000 Genomes Project 30x 0.00031; gnomAD 0.00012; TOPMed 0.00017.
gnomAD v4.1: 58 of 1,537,536 alleles (0.0038%); highest among the groups gnomAD compares: African/African-American, 0.066%; no homozygotes.

Submissions (3):

Labcorp Genetics (formerly Invitae), Labcorp
Classification: Uncertain significance for Activated PI3K-delta syndrome. Last evaluated: 2025-02-27. Review status: criteria provided, single submitter. Criteria: Invitae Variant Classification Sherloc (09022015). Collection method: clinical testing. Allele origin: germline.
Comment: This sequence change replaces glutamic acid, which is acidic and polar, with lysine, which is basic and polar, at codon 505 of the PIK3CD protein (p.Glu505Lys). This variant is present in population databases (rs545136223, gnomAD 0.08%), and has an allele count higher than expected for a pathogenic variant. This variant has not been reported in the literature in individuals affected with PIK3CD-related conditions. ClinVar contains an entry for this variant (Variation ID: 541087). Invitae Evidence Modeling of protein sequence and biophysical properties (such as structural, functional, and spatial information, amino acid conservation, physicochemical variation, residue mobility, and thermodynamic stability) indicates that this missense variant is not expected to disrupt PIK3CD protein function with a negative predictive value of 80%. In summary, the available evidence is currently insufficient to determine the role of this variant in disease. Therefore, it has been classified as a Variant of Uncertain Significance.

Ambry Genetics
Classification: Uncertain significance for Inborn genetic diseases. Last evaluated: 2023-12-20. Review status: criteria provided, single submitter. Criteria: Ambry Variant Classification Scheme 2023. Collection method: clinical testing. Allele origin: germline.

Fulgent Genetics
Classification: Uncertain significance for Immunodeficiency 14. Last evaluated: 2018-10-31. Review status: criteria provided, single submitter. Criteria: ACMG Guidelines, 2015. Collection method: clinical testing. Allele origin: unknown.